The following is an entry in ClinVar:

ClinVar aggregate classification (germline): Uncertain significance (1 of 4 stars; one submission).

Submission:

GeneDx
Classification: Uncertain significance. Last evaluated: 2024-08-06. Review status: criteria provided, single submitter. Criteria: GeneDx Variant Classification Process June 2021. Collection method: clinical testing. Allele origin: germline. Affected: yes.
Comment: Not observed at significant frequency in large population cohorts (gnomAD); In silico analysis supports that this missense variant has a deleterious effect on protein structure/function; Has not been previously published as pathogenic or benign to our knowledge

NM_007126.5(VCP):c.2078G>T (p.Arg693Leu)

Gene: VCP (valosin containing protein; minus strand). Cytogenetic location: 9p13.3.
Variant type: single nucleotide variant.
Coding change: c.2078G>T on transcript NM_007126.5 (MANE Select); coding-DNA position 2078, G replaced by T.
Protein change: p.Arg693Leu; replaces arginine 693 with leucine.
Molecular consequence: missense variant.
Genome position (GRCh38, 1-based): chr9:35,059,146, C>A on the plus strand (G>T on the coding strand, the complement: VCP is on the minus strand). VCF-style: chr9-35059146-C-A. GRCh37 (hg19) VCF-style: chr9-35059143-C-A.
Other names: c.1943G>T, p.Arg648Leu (NM_001354927.2, NM_001354928.2); short protein forms R648L, R693L.
Identifiers: ClinVar variation 3602916 (VCV003602916.1).